The following is an entry in ClinVar:

ClinVar aggregate classification (germline): Pathogenic/Likely pathogenic. Review status: criteria provided, multiple submitters, no conflicts (2 of 4 stars). 2 submissions from 2 submitters: Pathogenic (1); Likely pathogenic (1). Last evaluated 2025-12-24.

Conditions:
Marfan syndrome (MFS). Also called: Marfan syndrome type 1; Marfan's syndrome; FBN1-Related Marfan Syndrome; MARFAN SYNDROME, TYPE I; Marfan syndrome, classic. Identifiers: Orphanet 284963, Orphanet 558, MedGen C0024796, MONDO:0007947, OMIM 154700.

Submissions (2):

3billion
Classification: Likely pathogenic for Marfan syndrome. Last evaluated: 2025-12-24. Review status: criteria provided, single submitter. Criteria: ACMG Guidelines, 2015. Collection method: clinical testing. Allele origin: germline. Affected: yes.
Comment: The variant is not observed in the gnomAD v4.1.0 dataset. Predicted Consequence/Location: Missense variant In silico tool predictions suggest damaging effect of the variant on gene or gene product [REVEL: 0.98 (>=0.6, sensitivity 0.68 and specificity 0.92); 3Cnet: 0.99 (> 0.75, sensitivity 0.96 and precision 0.92)]. The same nucleotide change resulting in the same amino acid change has been previously reported to be associated with FBN1-related disorder (ClinVar ID: VCV001325420 /PMID: 35058154). However, the evidence of pathogenicity is insufficient at this time. Different missense changes at the same codon (p.Cys1402Arg, p.Cys1402Phe, p.Cys1402Ser, p.Cys1402Trp, p.Cys1402Tyr) have been reported as pathogenic/likely pathogenic with strong evidence (ClinVar ID: VCV000519799, VCV001738683, VCV001738692, VCV002773346 /PMID: 10486319, 11524736, 16222657, 27906200). Therefore, this variant is classified as Likely pathogenic according to the recommendation of ACMG/AMP guideline.

Centre of Medical Genetics, University of Antwerp
Classification: Pathogenic for Marfan syndrome. Last evaluated: 2021-03-01. Review status: criteria provided, single submitter. Criteria: Submitter's publication. Collection method: research. Allele origin: unknown. Affected: yes.
Comment: PM2, PVS2, PP4

Literature cited by the submitters: PubMed 10486319 (cited by 3billion); PubMed 35058154 (cited by 3billion).

NM_000138.5(FBN1):c.4204T>G (p.Cys1402Gly)

Gene: FBN1 (fibrillin 1; minus strand). Cytogenetic location: 15q21.1.
Variant type: single nucleotide variant.
Coding change: c.4204T>G on transcript NM_000138.5 (MANE Select); coding-DNA position 4204, T replaced by G.
Protein change: p.Cys1402Gly; replaces cysteine 1402 with glycine.
Molecular consequence: missense variant.
Genome position (GRCh38, 1-based): chr15:48,474,261, A>C on the plus strand (T>G on the coding strand, the complement: FBN1 is on the minus strand). VCF-style: chr15-48474261-A-C. GRCh37 (hg19) VCF-style: chr15-48766458-A-C.
Other names: c.4204T>G, p.Cys1402Gly (NM_001406716.1); short protein forms C1402G.
Identifiers: ClinVar variation 1325420 (VCV001325420.3), dbSNP rs2141279646, ClinGen allele CA392319894.
Genomic context (GRCh38, chr15:48,474,261, plus strand): 5'-AATGCCTGGCTTCTCTGACTAGTGTTGACACAGTTGTTTCCAGCGTGAACATACCTGTAC[A>C]AGTGAAGCCATCACCTGTGTATCCTTCCTTGCACAGACAGCGGTAAGATCCCATGGTATT-3'
Protein context (NP_000129.3, residues 1392-1412): KEGYTGDGFT[Cys1402Gly]TDLDECSENL